The following is an entry in ClinVar:

NM_004104.5(FASN):c.820C>A (p.Arg274Ser)

Gene: FASN (fatty acid synthase; minus strand). Cytogenetic location: 17q25.3.
Variant type: single nucleotide variant.
Coding change: c.820C>A on transcript NM_004104.5 (MANE Select); coding-DNA position 820, C replaced by A.
Protein change: p.Arg274Ser; replaces arginine 274 with serine.
Molecular consequence: missense variant.
Genome position (GRCh38, 1-based): chr17:82,092,771, G>T on the plus strand (C>A on the coding strand, the complement: FASN is on the minus strand). VCF-style: chr17-82092771-G-T. GRCh37 (hg19) VCF-style: chr17-80050647-G-T.
Other names: short protein forms R274S.
Identifiers: ClinVar variation 1022308 (VCV001022308.8), dbSNP rs562846615, ClinGen allele CA295138944.

ClinVar aggregate classification (germline): Uncertain significance (1 of 4 stars; one submission).

Conditions:
Epileptic encephalopathy. Identifiers: MedGen C0543888, HP:0200134.

Allele frequency attached by ClinVar (database versions not stated): TOPMed 0.00002.
gnomAD v4.1: 13 of 1,605,352 alleles (0.00081%); highest among the groups gnomAD compares: Admixed American, 0.015%; no homozygotes.

Submission:

Labcorp Genetics (formerly Invitae), Labcorp
Classification: Uncertain significance for Epileptic encephalopathy. Last evaluated: 2024-06-09. Review status: criteria provided, single submitter. Criteria: Invitae Variant Classification Sherloc (09022015). Collection method: clinical testing. Allele origin: germline.
Comment: This sequence change replaces arginine, which is basic and polar, with serine, which is neutral and polar, at codon 274 of the FASN protein (p.Arg274Ser). The frequency data for this variant in the population databases is considered unreliable, as metrics indicate poor data quality at this position in the gnomAD database. This variant has not been reported in the literature in individuals affected with FASN-related conditions. ClinVar contains an entry for this variant (Variation ID: 1022308). Algorithms developed to predict the effect of missense changes on protein structure and function output the following: SIFT: "Not Available"; PolyPhen-2: "Benign"; Align-GVGD: "Not Available". The serine amino acid residue is found in multiple mammalian species, which suggests that this missense change does not adversely affect protein function. In summary, the available evidence is currently insufficient to determine the role of this variant in disease. Therefore, it has been classified as a Variant of Uncertain Significance.